The following is an entry in ClinVar:

NM_033380.3(COL4A5):c.973G>A (p.Gly325Arg)

Gene: COL4A5 (collagen type IV alpha 5 chain; plus strand). Cytogenetic location: Xq22.3.
Variant type: single nucleotide variant.
Coding change: c.973G>A on transcript NM_033380.3 (MANE Select); coding-DNA position 973, G replaced by A.
Protein change: p.Gly325Arg; replaces glycine 325 with arginine.
Molecular consequence: missense variant.
Genome position (GRCh38, 1-based): chrX:108,582,920, G>A. VCF-style: chrX-108582920-G-A. GRCh37 (hg19) VCF-style: chrX-107826150-G-A.
Other names: c.973G>A, p.Gly325Arg (NM_000495.5); c.973G>A (NM_033380.2); short protein forms G325R.
Identifiers: ClinVar variation 24352 (VCV000024352.26), dbSNP rs104886088, ClinGen allele CA255262.

ClinVar aggregate classification (germline): Pathogenic/Likely pathogenic. Review status: criteria provided, multiple submitters, no conflicts (2 of 4 stars). 11 submissions from 11 submitters: Pathogenic (9); Likely pathogenic (1). 1 of the submissions does not count toward it. Last evaluated 2026-02-20.

Conditions:
COL4A5-related disorders.
Inborn genetic diseases. Identifiers: MedGen C0950123, MeSH D030342.
X-linked Alport syndrome (ATS1). Also called: COL4A5-Related Nephropathy; NEPHROPATHY AND DEAFNESS, X-LINKED. Identifiers: Orphanet 63, Orphanet 88917, MedGen C4746986, MONDO:0010520, OMIM 301050.

Allele frequency attached by ClinVar (database versions not stated): gnomAD exomes below 0.00001.
gnomAD v4.1: 1 of 1,203,935 alleles (0.000083%); highest among the groups gnomAD compares: Non-Finnish European, 0.00011%; no homozygotes.

Submissions (11):

Myriad Genetics, Inc.
Classification: Pathogenic for X-linked Alport syndrome. Last evaluated: 2026-02-20. Review status: criteria provided, single submitter. Criteria: Myriad Autosomal Dominant, Autosomal Recessive and X-Linked Classification Criteria (2023). Collection method: clinical testing. Allele origin: unknown.
Comment: NM_000495.4(COL4A5):c.973G>A(G325R) is a missense variant classified as pathogenic in the context of X-linked Alport syndrome. G325R has been observed in cases with relevant disease (PMID: 1376965, 26346198). Relevant functional assessments of this variant are not available in the literature. Internal structural analysis of the variant is supportive of pathogenicity. G325R has not been observed in referenced population frequency databases. In summary, NM_000495.4(COL4A5):c.973G>A(G325R) is a missense variant that has internal structural support for pathogenicity and has been observed more frequently in cases with the relevant disease than in healthy populations. Please note: this variant was assessed in the context of healthy population screening.

Victorian Clinical Genetics Services, Murdoch Childrens Research Institute
Classification: Pathogenic for X-linked Alport syndrome. Last evaluated: 2025-05-19. Review status: criteria provided, single submitter. Criteria: ACMG Guidelines, 2015. Collection method: clinical testing. Allele origin: germline. Affected: yes.
Comment: This variant is classified as Pathogenic. Evidence in support of pathogenic classification: Variant is present in gnomAD <0.001 for a dominant condition (v4: 1 heterozygote(s), 0 hemizygote(s)) ; This variant has strong previous evidence of pathogenicity in unrelated individuals. This variant, along with an alternative nucleotide change (c.973G>C) resulting in the same amino acid substitution, has been reported in at least six individuals with Alport syndrome (ClinVar, PMIDs: 1376965, 17396119, VCGS); Variant is located in the well-established functional Gly-X-Y motif in the collagen triple helical domain; Missense variant consistently predicted to be damaging by multiple in silico tools or highly conserved with a major amino acid change. Additional information: Variant is predicted to result in a missense amino acid change from glycine to arginine; This variant is hemizygous; This gene is associated with X-linked dominant disease. Males are typically more severely affected than females (PMID: 19965530); Dominant negative and loss of function are known mechanisms of disease in this gene and are associated with X-linked Alport syndrome 1 (MIM#301050). Dominant negative is caused mostly by glycine substitutions that affect the conformation of the protein, and loss of function can be caused by either protein truncating or missense variants (PMID: 24046192, 12028435); Variants in this gene are known to have variable expressivity. There is intrafamilial variability among affected carrier females, possibly due to variable X-inactivation (PMID: 14514738); Inheritance information for this variant is not currently available in this individual.

Labcorp Genetics (formerly Invitae), Labcorp
Classification: Pathogenic. Last evaluated: 2025-04-30. Review status: criteria provided, single submitter. Criteria: Invitae Variant Classification Sherloc (09022015). Collection method: clinical testing. Allele origin: germline.
Comment: This sequence change replaces glycine, which is neutral and non-polar, with arginine, which is basic and polar, at codon 325 of the COL4A5 protein (p.Gly325Arg). This variant is not present in population databases (gnomAD no frequency). This missense change has been observed in individual(s) with Alport syndrome (PMID: 1376965, 24472419). It has also been observed to segregate with disease in related individuals. ClinVar contains an entry for this variant (Variation ID: 24352). Invitae Evidence Modeling of protein sequence and biophysical properties (such as structural, functional, and spatial information, amino acid conservation, physicochemical variation, residue mobility, and thermodynamic stability) indicates that this missense variant is expected to disrupt COL4A5 protein function with a positive predictive value of 95%. This variant disrupts the triple helix domain of COL4A5. Glycine residues within the Gly-Xaa-Yaa repeats of the triple helix domain are required for the structure and stability of fibrillar collagens (PMID: 7695699, 8218237, 19344236). In COL4A5, missense variants at these glycine residues are significantly enriched in individuals with disease (PMID: 23720012, 27627812) compared to the general population (ExAC). For these reasons, this variant has been classified as Pathogenic.

Ambry Genetics
Classification: Pathogenic for Inborn genetic diseases. Last evaluated: 2024-05-14. Review status: criteria provided, single submitter. Criteria: Ambry Variant Classification Scheme 2023. Collection method: clinical testing. Allele origin: germline.
Comment: The c.973G>A (p.G325R) alteration is located in exon 17 (coding exon 17) of the COL4A5 gene. This alteration results from a G to A substitution at nucleotide position 973, causing the glycine (G) at amino acid position 325 to be replaced by an arginine (R). This variant was not reported in population-based cohorts in the Genome Aggregation Database (gnomAD). This variant has been reported in multiple individuals with features consistent with COL4A5-related Alport syndrome and shown to segregate with disease in an affected family (Knebelmann, 1992; Wang, 2005; Gast, 2016). Another alteration at the same codon, c.974G>A (p.G325E), has been determined to be the result of a de novo mutation in one individual with features consistent with COL4A5-related Alport syndrome (Renieri, 1992). This amino acid position is highly conserved in available vertebrate species. The p.G325R amino acid is located within the triple-helical domain of the collagen alpha-5(IV) chain, and affects one of the highly conserved glycine residues in the Gly-X-Y motif that make up this domain (Ramshaw, 1998). This alteration is predicted to be deleterious by in silico analysis. Based on the available evidence, this alteration is classified as pathogenic.

Fulgent Genetics
Classification: Pathogenic for X-linked Alport syndrome. Last evaluated: 2024-03-28. Review status: criteria provided, single submitter. Criteria: ACMG Guidelines, 2015. Collection method: clinical testing. Allele origin: germline.

Neuberg Centre For Genomic Medicine, NCGM
Classification: Pathogenic for X-linked Alport syndrome. Last evaluated: 2023-07-22. Review status: criteria provided, single submitter. Criteria: ACMG Guidelines, 2015. Collection method: clinical testing. Allele origin: germline. Inheritance: X-linked dominant inheritance. Affected: yes.
Comment: The observed missense variant c.973G>Ap.Gly325Arg in COL4A5 gene has been reported previously in multiple individuals with Alport syndrome. This variant disrupts the triple helix domain of COL4A5. Glycine residues within the Gly-Xaa-Yaa repeats of the triple helix domain are required for the structure and stability of fibrillar collagens Zhang X, et al., 2018; Zhao X, et al., 2019; Shoulders MD, Raines RT., 2009. The variant is present in a mutational hotspot. A different variant p.Gly325Glu at the same position has been previously reported as Pathogenic in the ClinVar database. This variant is absent in the gnomAD Exomes. This variant has been reported to the ClinVar database as Pathogenic by multiple submitters. The amino acid Phenylalanine at position 216 is changed to a Serine changing protein sequence and it might alter its composition and physico-chemical properties. Multiple lines of computational evidence Polyphen - Possibly damaging, SIFT – Damaging and MutationTaster - Disease causing predict a damaging effect on protein structure and function for this variant. The residue is conserved by GERP++ and PhyloP across 100 vertebrates. For these reasons, this variant has been classified as Pathogenic.

Blueprint Genetics
Classification: Likely pathogenic for COL4A5-related disorders. Last evaluated: 2022-07-25. Review status: criteria provided, single submitter. Criteria: ACMG Guidelines, 2015. Collection method: clinical testing. Allele origin: germline. Affected: yes. Observed: 1 variant allele.

Institute of Human Genetics Munich, TUM University Hospital
Classification: Pathogenic for X-linked Alport syndrome. Last evaluated: 2019-05-10. Review status: criteria provided, single submitter. Criteria: Classification criteria August 2017. Collection method: clinical testing. Allele origin: germline. Inheritance: X-linked inheritance. Affected: yes. Observed: 1 hemizygote.

GeneDx
Classification: Pathogenic. Last evaluated: 2017-08-01. Review status: criteria provided, single submitter. Criteria: GeneDx Variant Classification (06012015). Collection method: clinical testing. Allele origin: germline. Affected: yes.
Comment: The G325R variant has been published previously in association with Alport syndrome (Knebelmann et al., 1992; Barker et al., 2001). The variant is not observed in large population cohorts (Lek et al., 2016; 1000 Genomes Consortium et al., 2015; Exome Variant Server). G325R is a non-conservative amino acid substitution, which is likely to impact secondary protein structure as these residues differ in polarity, charge, size and/or other properties. G325R occurs in the triple helical domain and replaces the Glycine in the canonical Gly-X-Y repeat. Variants in these Glycines result in poor winding of the collagen triple helix and a less functional protein. In silico analysis predicts this variant is probably damaging to the protein structure/function. Missense variants in the same residue (G325E) and in nearby residues (G310R/E, G313S/V, G316D, G319R/V/D, G322D/V, G331V, G334S/V, G337S), as well as a different nucleotide change leading to the same missense variant, c.973 G>C, have been reported in the Human Gene Mutation Database in association with Alport syndrome (Stenson et al., 2014), supporting the functional importance of this region of the protein. In summary, we consider this variant to be pathogenic.

Juno Genomics, Hangzhou Juno Genomics, Inc
Classification: Pathogenic for X-linked Alport syndrome. Review status: criteria provided, single submitter. Criteria: ACMG Guidelines, 2015. Collection method: clinical testing. Allele origin: germline. Affected: yes.
Comment: Absent from controls (or at extremely low frequency if recessive) in Genome Aggregation Database, Exome Sequencing Project, 1000 Genomes Project, or Exome Aggregation Consortium.;Same amino acid change as a previously established pathogenic variant regardless of nucleotide change.;Multiple lines of computational evidence support a deleterious effect on the gene or gene product (conservation, evolutionary, splicing impact, etc).;The prevalence of the variant in affected individuals is significantly increased compared to the prevalence in controls.;Patient's phenotype or family history is highly specific for a disease with a single genetic etiology.

OMIM
Classification: Pathogenic for ALPORT SYNDROME 1, X-LINKED. Last evaluated: 1992-07-01. Review status: no assertion criteria provided. Collection method: literature only. Allele origin: germline. Not counted in ClinVar's aggregate classification.

Literature cited by the submitters: PubMed 1376965 (cited by 5 submitters); PubMed 26346198 (cited by Myriad Genetics, Inc. and Ambry Genetics); PubMed 24046192 (cited by Victorian Clinical Genetics Services, Murdoch Childrens Research Institute); PubMed 12028435 (cited by Victorian Clinical Genetics Services, Murdoch Childrens Research Institute); PubMed 14514738 (cited by Victorian Clinical Genetics Services, Murdoch Childrens Research Institute); PubMed 19965530 (cited by Victorian Clinical Genetics Services, Murdoch Childrens Research Institute); PubMed 17396119 (cited by Victorian Clinical Genetics Services, Murdoch Childrens Research Institute); PubMed 24472419 (cited by Labcorp Genetics (formerly Invitae), Labcorp); PubMed 7695699 (cited by Labcorp Genetics (formerly Invitae), Labcorp); PubMed 8218237 (cited by Labcorp Genetics (formerly Invitae), Labcorp); PubMed 19344236 (cited by Labcorp Genetics (formerly Invitae), Labcorp); PubMed 23720012 (cited by Labcorp Genetics (formerly Invitae), Labcorp); PubMed 27627812 (cited by Labcorp Genetics (formerly Invitae), Labcorp); PubMed 1363780 (cited by Ambry Genetics); PubMed 9724608 (cited by Ambry Genetics); PubMed 15780079 (cited by Ambry Genetics).